The following is an entry in ClinVar:

NM_000229.2(LCAT):c.898C>T (p.Arg300Cys)

Gene: LCAT (lecithin-cholesterol acyltransferase; minus strand). Cytogenetic location: 16q22.1.
Variant type: single nucleotide variant.
Coding change: c.898C>T on transcript NM_000229.2 (MANE Select); coding-DNA position 898, C replaced by T.
Protein change: p.Arg300Cys; replaces arginine 300 with cysteine.
Molecular consequence: missense variant.
Genome position (GRCh38, 1-based): chr16:67,940,329, G>A on the plus strand (C>T on the coding strand, the complement: LCAT is on the minus strand). VCF-style: chr16-67940329-G-A. GRCh37 (hg19) VCF-style: chr16-67974232-G-A.
Other names: short protein forms R300C.
Identifiers: ClinVar variation 1765346 (VCV001765346.2), dbSNP rs559100013, ClinGen allele CA8120937.

ClinVar aggregate classification (germline): Uncertain significance (1 of 4 stars; one submission).

Conditions:
Cardiovascular phenotype. Identifiers: MedGen CN230736.

Allele frequency attached by ClinVar (database versions not stated): gnomAD 0.00001; gnomAD exomes 0.00001; ExAC 0.00003; 1000 Genomes Project 30x 0.00016; 1000 Genomes Project 0.00020.

Submission:

Ambry Genetics
Classification: Uncertain significance for Cardiovascular phenotype. Last evaluated: 2022-02-14. Review status: criteria provided, single submitter. Criteria: Ambry Variant Classification Scheme 2023. Collection method: clinical testing. Allele origin: germline.
Comment: The p.R300C variant (also known as c.898C>T), located in coding exon 6 of the LCAT gene, results from a C to T substitution at nucleotide position 898. The arginine at codon 300 is replaced by cysteine, an amino acid with highly dissimilar properties. This amino acid position is conserved. In addition, the in silico prediction for this alteration is inconclusive. Since supporting evidence is limited at this time, the clinical significance of this alteration remains unclear.